The following is an entry in ClinVar:

ClinVar aggregate classification (germline): Uncertain significance (1 of 4 stars; one submission).

Conditions:
Hereditary cancer-predisposing syndrome. Also called: Neoplastic Syndromes, Hereditary; Tumor predisposition; Hereditary Cancer Syndrome; Hereditary neoplastic syndrome. Identifiers: Orphanet 140162, MedGen C0027672, MeSH D009386, MONDO:0015356.

Submission:

Color Diagnostics, LLC DBA Color Health
Classification: Uncertain significance for Hereditary cancer-predisposing syndrome. Last evaluated: 2024-03-06. Review status: criteria provided, single submitter. Criteria: ACMG Guidelines, 2015. Collection method: clinical testing. Allele origin: germline.
Comment: This missense variant replaces valine with alanine at codon 127 of the MSH6 protein. Computational prediction suggests that this variant may not impact protein structure and function (internally defined REVEL score threshold <= 0.5, PMID: 27666373). Splice site prediction tools suggest that this variant may not impact RNA splicing. To our knowledge, functional studies have not been reported for this variant. This variant has not been reported in individuals affected with hereditary cancer in the literature. This variant has not been identified in the general population by the Genome Aggregation Database (gnomAD). The available evidence is insufficient to determine the role of this variant in disease conclusively. Therefore, this variant is classified as a Variant of Uncertain Significance.

NM_000179.3(MSH6):c.380T>C (p.Val127Ala)

Gene: MSH6 (mutS homolog 6; plus strand). Cytogenetic location: 2p16.3.
Variant type: single nucleotide variant.
Coding change: c.380T>C on transcript NM_000179.3 (MANE Select); coding-DNA position 380, T replaced by C.
Protein change: p.Val127Ala; replaces valine 127 with alanine.
Molecular consequence: missense variant. On other transcripts: 5 prime UTR variant (2), intron variant (1).
Genome position (GRCh38, 1-based): chr2:47,791,046, T>C. VCF-style: chr2-47791046-T-C. GRCh37 (hg19) VCF-style: chr2-48018185-T-C.
Other names: c.-357T>C (NM_001281493.2); c.-523T>C (NM_001281494.2); c.238-7565T>C (NM_001281492.2); short protein forms V127A.
Identifiers: ClinVar variation 923204 (VCV000923204.4), dbSNP rs1668695908, ClinGen allele CA346737048.